The following is an entry in ClinVar:

NM_033100.4(CDHR1):c.1554-2A>C

Gene: CDHR1 (cadherin related family member 1; plus strand). Cytogenetic location: 10q23.1.
Variant type: single nucleotide variant.
Coding change: c.1554-2A>C on transcript NM_033100.4 (MANE Select); the canonical splice acceptor site of the intron before coding-DNA position 1554, A replaced by C.
Molecular consequence: splice acceptor variant.
Genome position (GRCh38, 1-based): chr10:84,212,177, A>C. VCF-style: chr10-84212177-A-C. GRCh37 (hg19) VCF-style: chr10-85971933-A-C.
Other names: c.1554-2A>C (NM_001171971.3).
Identifiers: ClinVar variation 4709739 (VCV004709739.2).

ClinVar aggregate classification (germline): Pathogenic/Likely pathogenic. Review status: criteria provided, multiple submitters, no conflicts (2 of 4 stars). 2 submissions from 2 submitters: Pathogenic (1); Likely pathogenic (1). Last evaluated 2025-07-14.

Conditions:
CDHR1-related disorders.

gnomAD v4.1: 2 of 1,613,844 alleles (0.00012%); highest among the groups gnomAD compares: Admixed American, 0.0017%; no homozygotes.

Submissions (2):

Labcorp Genetics (formerly Invitae), Labcorp
Classification: Likely pathogenic. Last evaluated: 2025-07-14. Review status: criteria provided, single submitter. Criteria: Invitae Variant Classification Sherloc (09022015). Collection method: clinical testing. Allele origin: germline.
Comment: This sequence change affects an acceptor splice site in intron 14 of the CDHR1 gene. It is expected to disrupt RNA splicing. Variants that disrupt the donor or acceptor splice site typically lead to a loss of protein function (PMID: 16199547), and loss-of-function variants in CDHR1 are known to be pathogenic (PMID: 23044944, 23591405, 26103963, 26261414). This variant is not present in population databases (gnomAD no frequency). Disruption of this splice site has been observed in individual(s) with retinitis pigmentosa (PMID: 28181551). Algorithms developed to predict the effect of sequence changes on RNA splicing suggest that this variant may disrupt the consensus splice site. In summary, the currently available evidence indicates that the variant is pathogenic, but additional data are needed to prove that conclusively. Therefore, this variant has been classified as Likely Pathogenic.

Blueprint Genetics
Classification: Pathogenic for CDHR1-related disorders. Last evaluated: 2024-09-06. Review status: criteria provided, single submitter. Criteria: ACMG Guidelines, 2015. Collection method: clinical testing. Allele origin: germline. Affected: yes. Observed: 1 variant allele.

Literature cited by the submitters: PubMed 16199547 (cited by Labcorp Genetics (formerly Invitae), Labcorp); PubMed 23044944 (cited by Labcorp Genetics (formerly Invitae), Labcorp); PubMed 23591405 (cited by Labcorp Genetics (formerly Invitae), Labcorp); PubMed 26103963 (cited by Labcorp Genetics (formerly Invitae), Labcorp); PubMed 26261414 (cited by Labcorp Genetics (formerly Invitae), Labcorp); PubMed 28181551 (cited by Labcorp Genetics (formerly Invitae), Labcorp).